The following is an entry in ClinVar:

Single allele

Gene: DMD (dystrophin; minus strand). Cytogenetic location: Xp21.1.
Variant type: Deletion.
Identifiers: ClinVar variation 1807258 (VCV001807258.1).

ClinVar aggregate classification (germline): Pathogenic (1 of 4 stars; one submission).

Submission:

Athena Diagnostics
Classification: Pathogenic. Last evaluated: 2022-04-07. Review status: criteria provided, single submitter. Criteria: Athena Diagnostics Criteria. Collection method: clinical testing. Allele origin: unknown.
Comment: This deletion variant is predicted to maintain the open reading frame. However, due to the altered protein length, it is expected to severely disrupt protein function. Similar deletions of exons 49-51 have been reported in the literature to be associated with both Duchenne muscular dystrophy (DMD), Becker muscular dystrophy (BMD), and dilated cardiomyopathy (DCM). Similar variants have not been reported in large, multi-ethnic general populations (Genome Aggregation Database (gnomAD), Cambridge, MA (URL)).

Literature cited by the submitters: PubMed 15845029; PubMed 2491010; PubMed 8429320; PubMed 9619643; PubMed 19367636; PubMed 20036901; PubMed 23438214; PubMed 9470882; PubMed 21515508; PubMed 22876130; PubMed 23116935; PubMed 20031633; PubMed 33238405; PubMed 31705731; PubMed 32194622; PubMed 33101180; PubMed 34297739; PubMed 31727011; PubMed 29604111.